The following is an entry in ClinVar:

NM_001365536.1(SCN9A):c.5359G>A (p.Glu1787Lys)

Genes: SCN9A (sodium voltage-gated channel alpha subunit 9; minus strand), SCN1A-AS1 (SCN1A and SCN9A antisense RNA 1; plus strand). Cytogenetic location: 2q24.3.
Variant type: single nucleotide variant.
Coding change: c.5359G>A on transcript NM_001365536.1 (MANE Select); coding-DNA position 5359, G replaced by A.
Protein change: p.Glu1787Lys; replaces glutamic acid 1787 with lysine.
Molecular consequence: missense variant.
Genome position (GRCh38, 1-based): chr2:166,199,280, C>T on the plus strand (G>A on the coding strand, the complement: SCN9A is on the minus strand). VCF-style: chr2-166199280-C-T. GRCh37 (hg19) VCF-style: chr2-167055790-C-T.
Other names: c.5326G>A, p.Glu1776Lys (NM_002977.4); short protein forms E1776K, E1787K.
Identifiers: ClinVar variation 2125256 (VCV002125256.4), dbSNP rs1553473017, ClinGen allele CA349053304.

ClinVar aggregate classification (germline): Uncertain significance (1 of 4 stars; one submission).

Conditions:
Neuropathy, hereditary sensory and autonomic, type 2A (HSAN2A). Also called: WNK1-Related HSAN2 (HSAN2A); HSAN IIA; ACROOSTEOLYSIS, GIACCAI TYPE; ACROOSTEOLYSIS, NEUROGENIC; MORVAN DISEASE; NEUROPATHY, CONGENITAL SENSORY. Identifiers: Orphanet 970, MedGen C2752089, MONDO:0024309, OMIM 201300.
Generalized epilepsy with febrile seizures plus, type 7 (GEFSP7). Also called: GEFS+, TYPE 7. Identifiers: Orphanet 36387, MedGen C2751778, MONDO:0013470, OMIM 613863.

Submission:

Labcorp Genetics (formerly Invitae), Labcorp
Classification: Uncertain significance for Neuropathy, hereditary sensory and autonomic, type 2A; Generalized epilepsy with febrile seizures plus, type 7. Last evaluated: 2023-09-05. Review status: criteria provided, single submitter. Criteria: Invitae Variant Classification Sherloc (09022015). Collection method: clinical testing. Allele origin: germline.
Comment: In summary, the available evidence is currently insufficient to determine the role of this variant in disease. Therefore, it has been classified as a Variant of Uncertain Significance. Advanced modeling of protein sequence and biophysical properties (such as structural, functional, and spatial information, amino acid conservation, physicochemical variation, residue mobility, and thermodynamic stability) performed at Invitae indicates that this missense variant is not expected to disrupt SCN9A protein function. ClinVar contains an entry for this variant (Variation ID: 2125256). This variant has not been reported in the literature in individuals affected with SCN9A-related conditions. This variant is not present in population databases (gnomAD no frequency). This sequence change replaces glutamic acid, which is acidic and polar, with lysine, which is basic and polar, at codon 1776 of the SCN9A protein (p.Glu1776Lys).